The following is an entry in ClinVar:

ClinVar aggregate classification (germline): Uncertain significance (1 of 4 stars; one submission).

gnomAD v4.1: 5 of 1,613,992 alleles (0.00031%); highest among the groups gnomAD compares: African/African-American, 0.0013%; no homozygotes.

Submission:

GeneDx
Classification: Uncertain significance. Last evaluated: 2023-07-20. Review status: criteria provided, single submitter. Criteria: GeneDx Variant Classification Process June 2021. Collection method: clinical testing. Allele origin: germline. Affected: yes.
Comment: In silico analysis supports that this missense variant does not alter protein structure/function; Not observed at significant frequency in large population cohorts (gnomAD); This variant is associated with the following publications: (PMID: 31785789)

NM_006420.3(ARFGEF2):c.3238A>G (p.Thr1080Ala)

Gene: ARFGEF2 (ARF guanine nucleotide exchange factor 2; plus strand). Cytogenetic location: 20q13.13.
Variant type: single nucleotide variant.
Coding change: c.3238A>G on transcript NM_006420.3 (MANE Select); coding-DNA position 3238, A replaced by G.
Protein change: p.Thr1080Ala; replaces threonine 1080 with alanine.
Molecular consequence: missense variant.
Genome position (GRCh38, 1-based): chr20:48,998,209, A>G. VCF-style: chr20-48998209-A-G. GRCh37 (hg19) VCF-style: chr20-47614746-A-G.
Other names: c.3235A>G, p.Thr1079Ala (NM_001410846.1); short protein forms T1079A, T1080A.
Identifiers: ClinVar variation 3342310 (VCV003342310.1).